The following is an entry in ClinVar:

NM_015450.3(POT1):c.181C>T (p.Leu61Phe)

Gene: POT1 (protection of telomeres 1; minus strand). Cytogenetic location: 7q31.33.
Variant type: single nucleotide variant.
Coding change: c.181C>T on transcript NM_015450.3 (MANE Select); coding-DNA position 181, C replaced by T.
Protein change: p.Leu61Phe; replaces leucine 61 with phenylalanine.
Molecular consequence: missense variant. On other transcripts: non-coding transcript variant (3), intron variant (1).
Genome position (GRCh38, 1-based): chr7:124,870,985, G>A on the plus strand (C>T on the coding strand, the complement: POT1 is on the minus strand). VCF-style: chr7-124870985-G-A. GRCh37 (hg19) VCF-style: chr7-124511039-G-A.
Other names: c.-138-7345C>T (NM_001042594.2); short protein forms L61F.
Identifiers: ClinVar variation 933892 (VCV000933892.9), dbSNP rs1795853989, ClinGen allele CA369061540.

ClinVar aggregate classification (germline): Uncertain significance. Review status: criteria provided, multiple submitters, no conflicts (2 of 4 stars). 2 submissions from 2 submitters: Uncertain significance (2). Last evaluated 2024-08-01.

Conditions:
Tumor predisposition syndrome 3 (TPDS3). Also called: Glioma susceptibility 9; LONG TELOMERE SYNDROME, POT1-RELATED; POT1 Tumor Predisposition; Melanoma, cutaneous malignant, susceptibility to, 10. Identifiers: Orphanet 618, MedGen C4014476, MONDO:0014368, OMIM 615848.
Hereditary cancer-predisposing syndrome. Also called: Neoplastic Syndromes, Hereditary; Tumor predisposition; Hereditary Cancer Syndrome; Hereditary neoplastic syndrome. Identifiers: Orphanet 140162, MedGen C0027672, MeSH D009386, MONDO:0015356.

gnomAD v4.1: 1 of 1,610,190 alleles (0.000062%); highest among the groups gnomAD compares: Non-Finnish European, 0.000085%; no homozygotes.

Submissions (2):

Labcorp Genetics (formerly Invitae), Labcorp
Classification: Uncertain significance for Tumor predisposition syndrome 3. Last evaluated: 2024-08-01. Review status: criteria provided, single submitter. Criteria: Invitae Variant Classification Sherloc (09022015). Collection method: clinical testing. Allele origin: germline.
Comment: This sequence change replaces leucine, which is neutral and non-polar, with phenylalanine, which is neutral and non-polar, at codon 61 of the POT1 protein (p.Leu61Phe). This variant is not present in population databases (gnomAD no frequency). This variant has not been reported in the literature in individuals affected with POT1-related conditions. ClinVar contains an entry for this variant (Variation ID: 933892). Advanced modeling of protein sequence and biophysical properties (such as structural, functional, and spatial information, amino acid conservation, physicochemical variation, residue mobility, and thermodynamic stability) performed at Invitae indicates that this missense variant is not expected to disrupt POT1 protein function with a negative predictive value of 80%. In summary, the available evidence is currently insufficient to determine the role of this variant in disease. Therefore, it has been classified as a Variant of Uncertain Significance.

Ambry Genetics
Classification: Uncertain significance for Hereditary cancer-predisposing syndrome. Last evaluated: 2024-01-17. Review status: criteria provided, single submitter. Criteria: Ambry Variant Classification Scheme 2023. Collection method: clinical testing. Allele origin: germline.
Comment: The p.L61F variant (also known as c.181C>T), located in coding exon 3 of the POT1 gene, results from a C to T substitution at nucleotide position 181. The leucine at codon 61 is replaced by phenylalanine, an amino acid with highly similar properties. This amino acid position is conserved. In addition, this alteration is predicted to be tolerated by in silico analysis. Based on the available evidence, the clinical significance of this alteration remains unclear.